The following is an entry in ClinVar:

NM_002449.5(MSX2):c.*1125A>G

Gene: MSX2 (msh homeobox 2; plus strand). Cytogenetic location: 5q35.2.
Variant type: single nucleotide variant.
Coding change: c.*1125A>G on transcript NM_002449.5 (MANE Select); 1125 bases downstream of the stop codon, A replaced by G.
Molecular consequence: 3 prime UTR variant.
Genome position (GRCh38, 1-based): chr5:174,730,708, A>G. VCF-style: chr5-174730708-A-G. GRCh37 (hg19) VCF-style: chr5-174157711-A-G.
Other names: c.*1553A>G (NM_001363626.2).
Identifiers: ClinVar variation 352862 (VCV000352862.5), dbSNP rs14459, ClinGen allele CA10624221.

ClinVar aggregate classification (germline): Benign. Review status: criteria provided, single submitter (1 of 4 stars). 2 submissions from 1 submitter: Benign (2). Last evaluated 2018-01-13.

Conditions:
Parietal foramina 1 (PFM1). Also called: FORAMINA PARIETALIA PERMAGNA; PARIETAL FORAMINA, SYMMETRIC. Identifiers: Orphanet 60015, MedGen C1868599, MONDO:0008197, OMIM 168500.
Craniosynostosis 2 (CRS2). Also called: Warman-Mulliken-Hayward syndrome; Craniosynostosis Warman type; Craniosynostosis Boston type. Identifiers: Orphanet 1541, MedGen C1858160, MONDO:0011481, OMIM 604757.

Allele frequency attached by ClinVar (database versions not stated): TOPMed 0.75698; 1000 Genomes Project 30x 0.76655; gnomAD 0.76842; 1000 Genomes Project 0.77596; gnomAD exomes 0.82791.

Submissions (2):

Illumina Laboratory Services, Illumina
Classification: Benign for Craniosynostosis 2. Last evaluated: 2018-01-13. Review status: criteria provided, single submitter. Criteria: ICSL Variant Classification Criteria 13 December 2019. Collection method: clinical testing. Allele origin: germline.
Comment: This variant was observed in the ICSL laboratory as part of a predisposition screen in an ostensibly healthy population. It had not been previously curated by ICSL or reported in the Human Gene Mutation Database (HGMD: prior to June 1st, 2018), and was therefore a candidate for classification through an automated scoring system. Utilizing variant allele frequency, disease prevalence and penetrance estimates, and inheritance mode, an automated score was calculated to assess if this variant is too frequent to cause the disease. Based on the score and internal cut-off values, a variant classified as benign is not then subjected to further curation. The score for this variant resulted in a classification of benign for this disease.

Illumina Laboratory Services, Illumina
Classification: Benign for Parietal foramina 1. Last evaluated: 2018-01-13. Review status: criteria provided, single submitter. Criteria: ICSL Variant Classification Criteria 13 December 2019. Collection method: clinical testing. Allele origin: germline.
Comment: the same text as in the submission from Illumina Laboratory Services, Illumina above.